The following is an entry in ClinVar:

ClinVar aggregate classification (germline): Uncertain significance (1 of 4 stars; one submission).

Submission:

Labcorp Genetics (formerly Invitae), Labcorp
Classification: Uncertain significance. Last evaluated: 2024-07-01. Review status: criteria provided, single submitter. Criteria: Invitae Variant Classification Sherloc (09022015). Collection method: clinical testing. Allele origin: germline.
Comment: This sequence change replaces leucine, which is neutral and non-polar, with proline, which is neutral and non-polar, at codon 514 of the ANKZF1 protein (p.Leu514Pro). This variant is not present in population databases (gnomAD no frequency). This variant has not been reported in the literature in individuals affected with ANKZF1-related conditions. ClinVar contains an entry for this variant (Variation ID: 1386146). An algorithm developed to predict the effect of missense changes on protein structure and function (PolyPhen-2) suggests that this variant is likely to be disruptive. In summary, the available evidence is currently insufficient to determine the role of this variant in disease. Therefore, it has been classified as a Variant of Uncertain Significance.

NM_018089.3(ANKZF1):c.1541T>C (p.Leu514Pro)

Gene: ANKZF1 (ankyrin repeat and zinc finger peptidyl tRNA hydrolase 1; plus strand). Cytogenetic location: 2q35.
Variant type: single nucleotide variant.
Coding change: c.1541T>C on transcript NM_018089.3 (MANE Select); coding-DNA position 1541, T replaced by C.
Protein change: p.Leu514Pro; replaces leucine 514 with proline.
Molecular consequence: missense variant.
Genome position (GRCh38, 1-based): chr2:219,235,162, T>C. VCF-style: chr2-219235162-T-C. GRCh37 (hg19) VCF-style: chr2-220099884-T-C.
Other names: c.1541T>C, p.Leu514Pro (NM_001042410.2); c.911T>C, p.Leu304Pro (NM_001282792.2); short protein forms L304P, L514P.
Identifiers: ClinVar variation 1386146 (VCV001386146.6), dbSNP rs2106466195, ClinGen allele CA350682155.